The following is an entry in ClinVar:

ClinVar aggregate classification (germline): Uncertain significance (1 of 4 stars; one submission).

Submission:

GeneDx
Classification: Uncertain significance. Last evaluated: 2022-09-01. Review status: criteria provided, single submitter. Criteria: GeneDx Variant Classification Process June 2021. Collection method: clinical testing. Allele origin: germline. Affected: yes.
Comment: Not observed at significant frequency in large population cohorts (gnomAD); In silico analysis supports that this missense variant does not alter protein structure/function; Has not been previously published as pathogenic or benign to our knowledge

NM_016604.4(KDM3B):c.727G>C (p.Asp243His)

Gene: KDM3B (lysine demethylase 3B; plus strand). Cytogenetic location: 5q31.2.
Variant type: single nucleotide variant.
Coding change: c.727G>C on transcript NM_016604.4 (MANE Select); coding-DNA position 727, G replaced by C.
Protein change: p.Asp243His; replaces aspartic acid 243 with histidine.
Molecular consequence: missense variant.
Genome position (GRCh38, 1-based): chr5:138,381,537, G>C. VCF-style: chr5-138381537-G-C. GRCh37 (hg19) VCF-style: chr5-137717226-G-C.
Other names: short protein forms D243H.
Identifiers: ClinVar variation 2442546 (VCV002442546.1), dbSNP rs2480175707, ClinGen allele CA361098469.
Genomic context (GRCh38, chr5:138,381,537, plus strand): 5'-GGACAAGGCATTAAATATCTTTTTCCCCTCCTACTGTAGAGTGGTGAGATCAAGTCGGTA[G>C]ATCCCAGACTAATCCATGTGATGCTGATGGATAATTCAGCGCCTCAAAGCGAGGTACAGT-3'
Protein context (NP_057688.3, residues 233-253): VTESGEIKSV[Asp243His]PRLIHVMLMD